The following is an entry in ClinVar:

NM_019074.4(DLL4):c.1396T>C (p.Cys466Arg)

Gene: DLL4 (delta like canonical Notch ligand 4; plus strand). Cytogenetic location: 15q15.1.
Variant type: single nucleotide variant.
Coding change: c.1396T>C on transcript NM_019074.4 (MANE Select); coding-DNA position 1396, T replaced by C.
Protein change: p.Cys466Arg; replaces cysteine 466 with arginine.
Molecular consequence: missense variant.
Genome position (GRCh38, 1-based): chr15:40,936,383, T>C. VCF-style: chr15-40936383-T-C. GRCh37 (hg19) VCF-style: chr15-41228581-T-C.
Other names: short protein forms C466R.
Identifiers: ClinVar variation 2506498 (VCV002506498.2), dbSNP rs2542549210, ClinGen allele CA391780798.

ClinVar aggregate classification (germline): Likely pathogenic. Review status: criteria provided, multiple submitters, no conflicts (2 of 4 stars). 2 submissions from 2 submitters: Likely pathogenic (2). Last evaluated 2025-07-02.

Conditions:
Adams-Oliver syndrome 6 (AOS6). Identifiers: Orphanet 974, MedGen C4225271, MONDO:0014703, OMIM 616589.

Submissions (2):

Institute of Human Genetics, University of Leipzig Medical Center
Classification: Likely pathogenic for Adams-Oliver syndrome 6. Last evaluated: 2025-07-02. Review status: criteria provided, single submitter. Criteria: ACMG Guidelines, 2015. Collection method: clinical testing. Allele origin: unknown. Inheritance: Autosomal dominant inheritance. Affected: yes.
Comment: Criteria applied: PM2,PM5,PS4_SUP,PM1_SUP,PP2,PP3,PP4

Diagnostics Services (NGS), CSIR - Centre For Cellular And Molecular Biology
Classification: Likely pathogenic for Adams-Oliver syndrome 6. Last evaluated: 2023-06-19. Review status: criteria provided, single submitter. Criteria: ACMG Guidelines, 2015. Collection method: clinical testing. Allele origin: unknown. Affected: yes. Observed: 1 variant allele, 1 heterozygote.
Comment: The c.1396T>C variant is not present in publicly available population databases like 1000 Genomes, ExAC, EVS, gnomAD, Indian Exome Database or our in-house exome database. This variant has neither been published in literature nor reported to clinical databases like in ClinVar, Human Gene Mutation Database (HGMD) or OMIM, in any affected individuals. In silico pathogenicity prediction programs like SIFT, PolyPhen2, MutationTaster2, CADD, Varsome, Franklin etc predicted this variant to be likely deleterious, however these predictions were not confirmed by published functional studies. A different amino acid change in this position (Cys466Tyr) has been previously published and reported to the ClinVar as ‘pathogenic’ (ClinVar Accession: VCV000523592.2).